The following is an entry in ClinVar:

ClinVar aggregate classification (germline): Pathogenic/Likely pathogenic. Review status: criteria provided, multiple submitters, no conflicts (2 of 4 stars). 3 submissions from 3 submitters: Pathogenic (1); Likely pathogenic (1). 1 of the submissions does not count toward it. Last evaluated 2023-12-07.

Conditions:
WDPCP-related disorder. Also called: WDPCP-related condition.
Bardet-Biedl syndrome (BBS). Identifiers: Orphanet 110, MedGen C0752166, MONDO:0015229.

Allele frequency attached by ClinVar (database versions not stated): TOPMed below 0.00001; gnomAD 0.00001; gnomAD exomes 0.00001.

Submissions (3):

Blueprint Genetics
Classification: Likely pathogenic for WDPCP-related disorders. Last evaluated: 2023-12-07. Review status: criteria provided, single submitter. Criteria: ACMG Guidelines, 2015. Collection method: clinical testing. Allele origin: germline. Affected: yes. Observed: 2 variant alleles.

Labcorp Genetics (formerly Invitae), Labcorp
Classification: Pathogenic for Bardet-Biedl syndrome. Last evaluated: 2022-07-12. Review status: criteria provided, single submitter. Criteria: Invitae Variant Classification Sherloc (09022015). Collection method: clinical testing. Allele origin: germline.
Comment: For these reasons, this variant has been classified as Pathogenic. Algorithms developed to predict the effect of sequence changes on RNA splicing suggest that this variant may disrupt the consensus splice site. This sequence change creates a premature translational stop signal (p.Arg227*) in the WDPCP gene. It is expected to result in an absent or disrupted protein product. Loss-of-function variants in WDPCP are known to be pathogenic (PMID: 20671153, 25427950, 27158779). This variant is present in population databases (no rsID available, gnomAD 0.002%). This variant has not been reported in the literature in individuals affected with WDPCP-related conditions.

PreventionGenetics, part of Exact Sciences
Classification: Likely pathogenic for WDPCP-related condition. Last evaluated: 2024-06-24. Review status: no assertion criteria provided. Collection method: clinical testing. Allele origin: germline. Not counted in ClinVar's aggregate classification.
Comment: The WDPCP c.679C>T variant is predicted to result in premature protein termination (p.Arg227*). To our knowledge, this variant has not been reported in the literature in individuals with WDPCP-related disorders. This variant is reported in 0.0018% of alleles in individuals of European (Non-Finnish) descent in gnomAD. Nonsense variants in WDPCP are expected to be pathogenic. This variant is interpreted as likely pathogenic.

Literature cited by the submitters: PubMed 20671153 (cited by Labcorp Genetics (formerly Invitae), Labcorp); PubMed 25427950 (cited by Labcorp Genetics (formerly Invitae), Labcorp); PubMed 27158779 (cited by Labcorp Genetics (formerly Invitae), Labcorp).

NM_015910.7(WDPCP):c.679C>T (p.Arg227Ter)

Gene: WDPCP (WD repeat containing planar cell polarity effector; minus strand). Cytogenetic location: 2p15.
Variant type: single nucleotide variant.
Coding change: c.679C>T on transcript NM_015910.7 (MANE Select); coding-DNA position 679, C replaced by T.
Protein change: p.Arg227Ter; replaces arginine 227 with a stop codon.
Molecular consequence: nonsense. On other transcripts: non-coding transcript variant (3).
Genome position (GRCh38, 1-based): chr2:63,433,891, G>A on the plus strand (C>T on the coding strand, the complement: WDPCP is on the minus strand). VCF-style: chr2-63433891-G-A. GRCh37 (hg19) VCF-style: chr2-63661025-G-A.
Other names: c.202C>T, p.Arg68Ter (NM_001042692.3); c.607C>T, p.Arg203Ter (NM_001354044.2); c.679C>T, p.Arg227Ter (NM_001354045.2); c.679C>T (NM_015910.5); short protein forms R203*, R68*, R227*.
Identifiers: ClinVar variation 2196148 (VCV002196148.6), dbSNP rs894887380, ClinGen allele CA49236694.
Genomic context (GRCh38, chr2:63,433,891, plus strand): 5'-CGTTGACCAGTGGCCACCAGCAAACAACTCTATCATGAACACAGTTGATAGCTAGATGTC[G>A]CTCTGTTGTCTTGTTTATTGGGCCGGGTATTTCATAATAGAAAATCTAACAATTTTAAAA-3'